The following is an entry in ClinVar:

ClinVar aggregate classification (germline): Pathogenic (1 of 4 stars; one submission).

Submission:

GeneDx
Classification: Pathogenic. Last evaluated: 2015-03-26. Review status: criteria provided, single submitter. Criteria: GeneDx Variant Classification (06012015). Collection method: clinical testing. Allele origin: germline. Affected: yes.
Comment: The c.529_531delTTC deletion in the KRT6A gene causes an in-frame deletion of a single amino acid,denoted p.Phe177del, in the highly conserved helix initiation motif of the central rod domain of keratin 6A.Another in-frame deletion (p.Asn172del) nearby is one of the most common recurrent variants in KRT6Acausing pachyonychia congenita (Stenson et al., 2014). In addition, c.529_531delTTC was not observed inapproximately 6,500 individuals of European and African American ancestry in the NHLBI Exome SequencingProject, indicating it is not a common benign variant in these populations. In summary, c.529_531delTTC isinterpreted as a pathogenic variant.

NM_005554.4(KRT6A):c.529_531del (p.Phe177del)

Gene: KRT6A (keratin 6A; minus strand). Cytogenetic location: 12q13.13.
Variant type: Deletion.
Coding change: c.529_531del on transcript NM_005554.4 (MANE Select); coding-DNA positions 529 to 531, 3 bases deleted (TTC; older notation c.529_531delTTC).
Protein change: p.Phe177del; deletes phenylalanine 177.
Molecular consequence: inframe deletion.
Genome position (GRCh38, 1-based): chr12:52,492,658-52,492,660, GAA deleted on the plus strand (TTC on the coding strand, the reverse complement: KRT6A is on the minus strand); deleting any 3 consecutive bases within chr12:52,492,658-52,492,661 gives the same sequence; the c. name uses the placement nearest the transcript's 3' end. VCF-style (leftmost placement, unchanged base first): chr12-52492657-TGAA-T. GRCh37 (hg19) VCF-style: chr12-52886441-TGAA-T.
Other names: short protein forms F177del.
Identifiers: ClinVar variation 418765 (VCV000418765.2), dbSNP rs1064793417, ClinGen allele CA16619572.
Genomic context (GRCh38, chr12:52,492,657, plus strand): 5'-CTCTGGTCTGGGGACCCTGAAGTGCCCCATGGAGGGCATGGCACTGGCTCACCTTGTCGA[TGAA>T]GGAGGCAAACTTGTTGTTGAGGGTCTTGATCTGTTCACGCTCCTCAGCCCGCACCCGCTG-3'